The following is an entry in ClinVar:

NM_000321.3(RB1):c.1419del (p.Phe473fs)

Gene: RB1 (RB transcriptional corepressor 1; plus strand). Cytogenetic location: 13q14.2.
Variant type: Deletion.
Coding change: c.1419del on transcript NM_000321.3 (MANE Select); coding-DNA position 1419, one base deleted (T; older notation c.1419delT).
Protein change: p.Phe473fs; shifts the reading frame from phenylalanine 473.
Molecular consequence: frameshift variant.
Genome position (GRCh38, 1-based): chr13:48,380,082, T deleted; the last of 4 consecutive T bases (chr13:48,380,079-48,380,082); deleting any one gives the same sequence. VCF-style (leftmost placement, unchanged base first): chr13-48380078-AT-A. GRCh37 (hg19) VCF-style: chr13-48954214-AT-A.
Other names: c.1419delT (NM_000321.2); short protein forms F473fs.
Identifiers: ClinVar variation 495819 (VCV000495819.9), dbSNP rs1555286573, ClinGen allele CA658683873.

ClinVar aggregate classification (germline): Pathogenic/Likely pathogenic. Review status: criteria provided, multiple submitters, no conflicts (2 of 4 stars). 2 submissions from 2 submitters: Pathogenic (1); Likely pathogenic (1). Last evaluated 2019-09-07.

Conditions:
Hereditary cancer-predisposing syndrome. Also called: Tumor predisposition; Neoplastic Syndromes, Hereditary; Hereditary neoplastic syndrome; Hereditary Cancer Syndrome. Identifiers: Orphanet 140162, MedGen C0027672, MeSH D009386, MONDO:0015356.
Retinoblastoma (RB1). Also called: RETINOBLASTOMA, SOMATIC. Identifiers: Orphanet 790, MedGen C0035335, MeSH D012175, MONDO:0008380, OMIM 180200, HP:0009919. Disease mechanism: loss of function. Inheritance: Both sporadic and heritable forms are tested..

Submissions (2):

Labcorp Genetics (formerly Invitae), Labcorp
Classification: Pathogenic for Retinoblastoma. Last evaluated: 2019-09-07. Review status: criteria provided, single submitter. Criteria: Invitae Variant Classification Sherloc (09022015). Collection method: clinical testing. Allele origin: germline.
Comment: For these reasons, this variant has been classified as Pathogenic. Loss-of-function variants in RB1 are known to be pathogenic (PMID: 17096365). This variant has not been reported in the literature in individuals with RB1-related conditions. ClinVar contains an entry for this variant (Variation ID: 495819). This variant is not present in population databases (ExAC no frequency). This sequence change creates a premature translational stop signal (p.Phe473Leufs*5) in the RB1 gene. It is expected to result in an absent or disrupted protein product.

Women's Health and Genetics/Laboratory Corporation of America, LabCorp
Classification: Likely pathogenic for Hereditary cancer-predisposing syndrome. Last evaluated: 2017-01-26. Review status: criteria provided, single submitter. Criteria: LabCorp Variant Classification Summary - May 2015. Collection method: clinical testing. Allele origin: germline.
Comment: Variant summary: The RB1 c.1419delT (p.Phe473Ilefs) variant results in a premature termination codon, predicted to cause a truncated or absent RB1 protein due to nonsense mediated decay (NMD), which are commonly known mechanisms for disease. If this variant escapes NMD, it is expected to truncate Retinoblastoma-associated protein, A-box, Retinoblastoma-associated protein, B-box and Retinoblastoma-associated protein, C-terminal (via InterPro). Truncations downstream of this position have been classified as pathogenic clinical laboratories in ClinVar (e.g. p.Gln504Ter, p.Trp563Ter, p.Gln850Ter, etc.). This variant is absent in 24618 control chromosomes from ExAC. The variant of interest has not, to our knowledge, been reported in affected individuals via publications and/or reputable databases/clinical diagnostic laboratories. Another variant causing the same truncation effect as this variant c.1420delA (p.Ser474Alafs) has been reported in germline of one individual with bilateral retinoblastoma in LOVD. Taken together, this variant is classified as likely pathogenic.

Literature cited by the submitters: PubMed 17096365 (cited by Labcorp Genetics (formerly Invitae), Labcorp).